The following is an entry in ClinVar:

NM_001849.4(COL6A2):c.2764G>C (p.Val922Leu)

Gene: COL6A2 (collagen type VI alpha 2 chain; plus strand). Cytogenetic location: 21q22.3.
Variant type: single nucleotide variant.
Coding change: c.2764G>C on transcript NM_001849.4 (MANE Select); coding-DNA position 2764, G replaced by C.
Protein change: p.Val922Leu; replaces valine 922 with leucine.
Molecular consequence: missense variant.
Genome position (GRCh38, 1-based): chr21:46,132,256, G>C. VCF-style: chr21-46132256-G-C. GRCh37 (hg19) VCF-style: chr21-47552170-G-C.
Other names: short protein forms V922L.
Identifiers: ClinVar variation 2084497 (VCV002084497.4), dbSNP rs1382284283, ClinGen allele CA410549563.

ClinVar aggregate classification (germline): Uncertain significance (1 of 4 stars; one submission).

Conditions:
Bethlem myopathy 1A. Also called: MYOPATHY, BENIGN CONGENITAL, WITH CONTRACTURES; Bethlem myopathy 1; Bethlem Muscular Dystrophy. Identifiers: Orphanet 610, MedGen CN029274, MONDO:0024530, OMIM 158810.

gnomAD v4.1: 2 of 1,605,890 alleles (0.00012%); highest among the groups gnomAD compares: Non-Finnish European, 0.00017%; no homozygotes.

Submission:

Labcorp Genetics (formerly Invitae), Labcorp
Classification: Uncertain significance for Bethlem myopathy 1A. Last evaluated: 2022-08-01. Review status: criteria provided, single submitter. Criteria: Invitae Variant Classification Sherloc (09022015). Collection method: clinical testing. Allele origin: germline.
Comment: In summary, the available evidence is currently insufficient to determine the role of this variant in disease. Therefore, it has been classified as a Variant of Uncertain Significance. Advanced modeling of protein sequence and biophysical properties (such as structural, functional, and spatial information, amino acid conservation, physicochemical variation, residue mobility, and thermodynamic stability) performed at Invitae indicates that this missense variant is not expected to disrupt COL6A2 protein function. This variant has not been reported in the literature in individuals affected with COL6A2-related conditions. This variant is not present in population databases (gnomAD no frequency). This sequence change replaces valine, which is neutral and non-polar, with leucine, which is neutral and non-polar, at codon 922 of the COL6A2 protein (p.Val922Leu).